The following is an entry in ClinVar:

ClinVar aggregate classification (germline): Likely pathogenic (1 of 4 stars; one submission).

Conditions:
Mucopolysaccharidosis, MPS-II (MPS2). Also called: Hunter Syndrome; IDURONATE 2-SULFATASE DEFICIENCY; Mucopolysaccharidosis Type II; Mucopolysaccharidosis type 2; Attenuated MPS (subtype; formerly known as mild MPS II); Severe MPS II. Identifiers: Orphanet 580, Orphanet 79388, MedGen C0026705, MONDO:0010674, OMIM 309900.

Submission:

Laboratory of Diagnosis and Therapy of Lysosomal Disorders, University of Padova
Classification: Likely pathogenic for Mucopolysaccharidosis, MPS-II. Last evaluated: 2024-06-07. Review status: criteria provided, single submitter. Criteria: ACMG Guidelines, 2015. Collection method: literature only. Allele origin: germline. Affected: yes. Observed: 5 variant alleles.
Comment: Prevalence of the variant significantly increased in affected individuals compared with controls (PS4_Supporting), Absent from controls (or at low frequency) in gnomAD database (PM2_Moderate), Missense variant in a gene with a low rate of benign missense variation (PP2_Supporting), Multiple lines of computational evidence support a deleterious effect (PP3_Supporting), Patient’s phenotype or family history highly specific for the disease (PP4_Strong)

Classification method: ACMG Guidelines [PMID:25741868] with modifications

Literature cited by the submitters: PubMed 24780617; PubMed 22976768; PubMed 35916809; PubMed 33676511.

NM_000202.8(IDS):c.325T>C (p.Trp109Arg)

Gene: IDS (iduronate 2-sulfatase; minus strand). Cytogenetic location: Xq28.
Variant type: single nucleotide variant.
Coding change: c.325T>C on transcript NM_000202.8 (MANE Select); coding-DNA position 325, T replaced by C.
Protein change: p.Trp109Arg; replaces tryptophan 109 with arginine.
Molecular consequence: missense variant. On other transcripts: non-coding transcript variant (1).
Genome position (GRCh38, 1-based): chrX:149,503,405, A>G on the plus strand (T>C on the coding strand, the complement: IDS is on the minus strand). VCF-style: chrX-149503405-A-G. GRCh37 (hg19) VCF-style: chrX-148584935-A-G.
Other names: c.55T>C, p.Trp19Arg (NM_001166550.4); c.325T>C, p.Trp109Arg (NM_006123.5); short protein forms W109R, W19R.
Identifiers: ClinVar variation 3255670 (VCV003255670.2).